The following is an entry in ClinVar:

ClinVar aggregate classification (germline): Uncertain significance (1 of 4 stars; one submission).

Submission:

GeneDx
Classification: Uncertain significance. Last evaluated: 2025-04-22. Review status: criteria provided, single submitter. Criteria: GeneDx Variant Classification Process June 2021. Collection method: clinical testing. Allele origin: germline. Affected: yes.
Comment: In silico analysis supports that this missense variant has a deleterious effect on protein structure/function; Has not been previously published as pathogenic or benign to our knowledge

NM_000875.5(IGF1R):c.3734T>G (p.Met1245Arg)

Gene: IGF1R (insulin like growth factor 1 receptor; plus strand). Cytogenetic location: 15q26.3.
Variant type: single nucleotide variant.
Coding change: c.3734T>G on transcript NM_000875.5 (MANE Select); coding-DNA position 3734, T replaced by G.
Protein change: p.Met1245Arg; replaces methionine 1245 with arginine.
Molecular consequence: missense variant.
Genome position (GRCh38, 1-based): chr15:98,957,072, T>G. VCF-style: chr15-98957072-T-G. GRCh37 (hg19) VCF-style: chr15-99500301-T-G.
Other names: c.3731T>G, p.Met1244Arg (NM_001291858.2); short protein forms M1244R, M1245R.
Identifiers: ClinVar variation 4526939 (VCV004526939.1).